The following is an entry in ClinVar:

NM_203447.4(DOCK8):c.1044+12C>T

Gene: DOCK8 (dedicator of cytokinesis 8; plus strand). Cytogenetic location: 9p24.3.
Variant type: single nucleotide variant.
Coding change: c.1044+12C>T on transcript NM_203447.4 (MANE Select); 12 bases into the intron after coding-DNA position 1044, C replaced by T.
Molecular consequence: intron variant.
Genome position (GRCh38, 1-based): chr9:328,183, C>T. VCF-style: chr9-328183-C-T. GRCh37 (hg19) VCF-style: chr9-328183-C-T.
Other names: c.840+12C>T (NM_001193536.2, NM_001190458.2).
Identifiers: ClinVar variation 383218 (VCV000383218.10), dbSNP rs376502656, ClinGen allele CA4957571.

ClinVar aggregate classification (germline): Likely benign. Review status: criteria provided, multiple submitters, no conflicts (2 of 4 stars). 3 submissions from 3 submitters: Likely benign (3). Last evaluated 2026-01-25.

Conditions:
Combined immunodeficiency due to DOCK8 deficiency (HIES2). Also called: HIES autosomal recessive; Hyper-IgE recurrent infection syndrome, autosomal recessive; DOCK8 Deficiency; HYPER-IgE SYNDROME 2, AUTOSOMAL RECESSIVE, WITH RECURRENT INFECTIONS; HYPER-IgE RECURRENT INFECTION SYNDROME 2, AUTOSOMAL RECESSIVE. Identifiers: Orphanet 217390, MedGen C4722305, MONDO:0009478, OMIM 243700.

Allele frequency attached by ClinVar (database versions not stated): gnomAD 0.00016; gnomAD exomes 0.00016; TOPMed 0.00018; ESP Exome Variant Server 0.00031; ExAC 0.00033.
gnomAD v4.1: 241 of 1,610,804 alleles (0.015%); highest among the groups gnomAD compares: South Asian, 0.056%; 1 homozygote.

Submissions (3):

Labcorp Genetics (formerly Invitae), Labcorp
Classification: Likely benign for Combined immunodeficiency due to DOCK8 deficiency. Last evaluated: 2026-01-25. Review status: criteria provided, single submitter. Criteria: Invitae Variant Classification Sherloc (09022015). Collection method: clinical testing. Allele origin: germline.

Blueprint Genetics
Classification: Likely benign. Last evaluated: 2024-08-29. Review status: criteria provided, single submitter. Criteria: ACMG Guidelines, 2015. Collection method: clinical testing. Allele origin: germline.

GeneDx
Classification: Likely benign. Last evaluated: 2016-02-04. Review status: criteria provided, single submitter. Criteria: GeneDx Variant Classification (06012015). Collection method: clinical testing. Allele origin: germline. Affected: yes.
Comment: This variant is considered likely benign or benign based on one or more of the following criteria: it is a conservative change, it occurs at a poorly conserved position in the protein, it is predicted to be benign by multiple in silico algorithms, and/or has population frequency not consistent with disease.